The following is an entry in ClinVar:

ClinVar aggregate classification (germline): Uncertain significance. Review status: criteria provided, single submitter (1 of 4 stars). 2 submissions from 2 submitters: Uncertain significance (1). 1 of the submissions does not count toward it. Last evaluated 2025-03-17.

Allele frequency attached by ClinVar (database versions not stated): gnomAD 0.00001; ExAC 0.00003; gnomAD exomes 0.00003; 1000 Genomes Project 0.00020; 1000 Genomes Project 30x 0.00047.
gnomAD v4.1: 23 of 1,609,528 alleles (0.0014%); highest among the groups gnomAD compares: South Asian, 0.023%; no homozygotes.

Submissions (2):

Ambry Genetics
Classification: Uncertain significance. Last evaluated: 2025-03-17. Review status: criteria provided, single submitter. Criteria: Ambry Variant Classification Scheme 2023. Collection method: clinical testing. Allele origin: germline.

ITMI
No classification provided. Condition: AllHighlyPenetrant. Last evaluated: 2013-09-19. Review status: no classification provided. Collection method: reference population. Allele origin: germline. Not counted in ClinVar's aggregate classification.
Comment: Please see associated publication for description of ethnicities

Literature cited by the submitters: PubMed 24728327 (cited by ITMI).

NM_001135608.3(ARHGAP26):c.1829C>T (p.Thr610Ile)

Gene: ARHGAP26 (Rho GTPase activating protein 26; plus strand). Cytogenetic location: 5q31.3.
Variant type: single nucleotide variant.
Coding change: c.1829C>T on transcript NM_001135608.3 (MANE Select); coding-DNA position 1829, C replaced by T.
Protein change: p.Thr610Ile; replaces threonine 610 with isoleucine.
Molecular consequence: missense variant. On other transcripts: non-coding transcript variant (1).
Genome position (GRCh38, 1-based): chr5:143,134,097, C>T. VCF-style: chr5-143134097-C-T. GRCh37 (hg19) VCF-style: chr5-142513662-C-T.
Other names: c.1721C>T, p.Thr574Ile (NM_001349547.2); c.1829C>T, p.Thr610Ile (NM_015071.6); c.1829C>T (NM_015071.4); short protein forms T610I, T574I.
Identifiers: ClinVar variation 133543 (VCV000133543.2), dbSNP rs200573018, ClinGen allele CA156904.